The following is an entry in ClinVar:

NM_178557.4(ASPNAT):c.702G>A (p.Glu234=)

Gene: ASPNAT (aspartate N-acetyltransferase; plus strand). Cytogenetic location: 4p16.3.
Variant type: single nucleotide variant.
Coding change: c.702G>A on transcript NM_178557.4 (MANE Select); coding-DNA position 702, G replaced by A.
Protein change: p.Glu234=; no amino-acid change (glutamic acid 234 retained).
Molecular consequence: synonymous variant.
Genome position (GRCh38, 1-based): chr4:2,063,920, G>A. VCF-style: chr4-2063920-G-A. GRCh37 (hg19) VCF-style: chr4-2065647-G-A.
Identifiers: ClinVar variation 3250754 (VCV003250754.18), dbSNP rs552172855.

ClinVar aggregate classification (germline): Uncertain significance (1 of 4 stars; one submission).

Allele frequency attached by ClinVar (database versions not stated): gnomAD exomes below 0.00001; gnomAD 0.00001; TOPMed 0.00002; 1000 Genomes Project 30x 0.00016; 1000 Genomes Project 0.00020.
gnomAD v4.1: 4 of 1,612,212 alleles (0.00025%); highest among the groups gnomAD compares: East Asian, 0.0022%; no homozygotes.

Submission:

CeGaT Center for Human Genetics Tuebingen
Classification: Uncertain significance. Last evaluated: 2024-06-01. Review status: criteria provided, single submitter. Criteria: CeGaT Center For Human Genetics Tuebingen Variant Classification Criteria Version 2. Collection method: clinical testing. Allele origin: germline. Affected: yes. Observed: 1 variant allele.
Comment: NAT8L: PM2, BP4